The following is an entry in ClinVar:

NM_001873.4(CPE):c.1317C>T (p.Tyr439=)

Gene: CPE (carboxypeptidase E; plus strand). Cytogenetic location: 4q32.3.
Variant type: single nucleotide variant.
Coding change: c.1317C>T on transcript NM_001873.4 (MANE Select); coding-DNA position 1317, C replaced by T.
Protein change: p.Tyr439=; no amino-acid change (tyrosine 439 retained).
Molecular consequence: synonymous variant.
Genome position (GRCh38, 1-based): chr4:165,495,662, C>T. VCF-style: chr4-165495662-C-T. GRCh37 (hg19) VCF-style: chr4-166416814-C-T.
Identifiers: ClinVar variation 3355559 (VCV003355559.1).

ClinVar aggregate classification (germline): Likely benign (0 of 4 stars; one submission).

Conditions:
CPE-related disorder. Also called: CPE-related condition.

gnomAD v4.1: 7 of 1,610,600 alleles (0.00043%); highest among the groups gnomAD compares: Non-Finnish European, 0.00059%; no homozygotes.

Submission:

PreventionGenetics, part of Exact Sciences
Classification: Likely benign for CPE-related condition. Last evaluated: 2021-11-30. Review status: no assertion criteria provided. Collection method: clinical testing. Allele origin: germline.
Comment: This variant is classified as likely benign based on ACMG/AMP sequence variant interpretation guidelines (Richards et al. 2015 PMID: 25741868, with internal and published modifications).